The following is an entry in ClinVar:

ClinVar aggregate classification (germline): Conflicting classifications of pathogenicity. Review status: criteria provided, conflicting classifications (1 of 4 stars). 20 submissions from 20 submitters: Uncertain significance (13); Likely benign (5). 2 of the submissions do not count toward it. Last evaluated 2026-03-01.

Conditions:
CHEK2-related disorder.
Predisposition to cancer.
Breast and/or ovarian cancer. Identifiers: MedGen CN221562.
CHEK2-related cancer predisposition (TPDS4). Also called: TUMOR PREDISPOSITION SYNDROME 4; CANCER PREDISPOSITION SYNDROME, CHEK2-RELATED; CHEK2-related cancer susceptibility. Identifiers: Orphanet 524, MedGen C5882668, MONDO:0700271, OMIM 609265.
Bone osteosarcoma. Also called: Osteosarcoma, somatic. Identifiers: Orphanet 668, MedGen C0585442, MONDO:0002629, OMIM 259500.
Familial cancer of breast. Also called: Hereditary breast cancer; hereditary breast carcinoma; BREAST CANCER, FAMILIAL. Identifiers: Orphanet 227535, MedGen C0346153, MONDO:0016419, OMIM 114480. Disease mechanism: loss of function.
Prostate cancer. Also called: Malignant tumor of prostate. Identifiers: Orphanet 1331, MedGen C0376358, MONDO:0008315, HP:0012125.
Hereditary cancer-predisposing syndrome. Also called: Tumor predisposition; Hereditary neoplastic syndrome; Neoplastic Syndromes, Hereditary; Hereditary Cancer Syndrome. Identifiers: Orphanet 140162, MedGen C0027672, MeSH D009386, MONDO:0015356.
Malignant tumor of breast. Also called: Malignant breast neoplasm; Cancer breast. Identifiers: MedGen C0006142, MONDO:0007254. Disease mechanism: loss of function.

Allele frequency attached by ClinVar (database versions not stated): gnomAD 0.00003 and 0.00004; gnomAD exomes 0.00005 and 0.00007; TOPMed 0.00005; ExAC 0.00006.
gnomAD v4.1: 80 of 1,613,372 alleles (0.005%); highest among the groups gnomAD compares: South Asian, 0.029%; no homozygotes.

Submissions 1 to 10 of 20:

CeGaT Center for Human Genetics Tuebingen
Classification: Likely benign. Last evaluated: 2026-03-01. Review status: criteria provided, single submitter. Criteria: CeGaT Center For Human Genetics Tuebingen Variant Classification Criteria Version 2. Collection method: clinical testing. Allele origin: germline. Affected: yes. Observed: 2 variant alleles.
Comment: CHEK2: BP4

PreventionGenetics, part of Exact Sciences
Classification: Uncertain significance for CHEK2-related condition. Last evaluated: 2026-02-25. Review status: criteria provided, single submitter. Criteria: ACMG Guidelines, 2015. Collection method: clinical testing. Allele origin: germline.
Comment: The CHEK2 c.1336A>G variant is predicted to result in the amino acid substitution p.Asn446Asp. This variant has been identified in patients with non-Hodgkin lymphoma, breast cancer, and rectal cancer (Havranek et al. 2015. PubMed ID: 26506619; Kraus et al. 2017. PubMed ID: 27616075; Pearlman et al. 2017. PubMed ID: 27978560). This variant is reported in 0.033% of alleles in individuals of South Asian descent in gnomAD and has conflicting interpretations in ClinVar ranging from likely benign to uncertain (Variation ID: 126909). Functional studies suggest this variant does not disrupt CHEK2 protein function (Delimitsou et al. 2019. PubMed ID: 30851065; Boonen et al. 2022. PubMed ID: 34903604). Although we suspect that this variant may be benign, at this time, the clinical significance of this variant is uncertain due to the absence of conclusive functional and genetic evidence.

Labcorp Genetics (formerly Invitae), Labcorp
Classification: Uncertain significance for Familial cancer of breast. Last evaluated: 2026-01-11. Review status: criteria provided, single submitter. Criteria: Invitae Variant Classification Sherloc (09022015). Collection method: clinical testing. Allele origin: germline.
Comment: This sequence change replaces asparagine, which is neutral and polar, with aspartic acid, which is acidic and polar, at codon 446 of the CHEK2 protein (p.Asn446Asp). This variant is present in population databases (rs121908705, gnomAD 0.03%), and has an allele count higher than expected for a pathogenic variant. This missense change has been observed in individual(s) with breast cancer, non-Hodgkin lymphoma, and/or rectal cancer (PMID: 26506619, 27616075, 27978560, 34326862). ClinVar contains an entry for this variant (Variation ID: 126909). An algorithm developed to predict the effect of missense changes on protein structure and function (PolyPhen-2) suggests that this variant is likely to be tolerated. Experimental studies have shown that this missense change does not substantially affect CHEK2 function (PMID: 30851065, 34903604, 37449874). In summary, the available evidence is currently insufficient to determine the role of this variant in disease. Therefore, it has been classified as a Variant of Uncertain Significance.

Women's Health and Genetics/Laboratory Corporation of America, LabCorp
Classification: Uncertain significance. Last evaluated: 2025-10-24. Review status: criteria provided, single submitter. Criteria: LabCorp Variant Classification Summary - May 2015. Collection method: clinical testing. Allele origin: germline.
Comment: Variant summary: CHEK2 c.1336A>G (p.Asn446Asp) results in a conservative amino acid change in the encoded protein sequence. Algorithms developed to predict the effect of missense changes on protein structure and function all suggest that this variant is likely to be tolerated. The variant allele was found at a frequency of 7.5e-05 in 253306 control chromosomes. This frequency is not significantly higher than estimated for disease-causing variants in CHEK2, allowing no conclusion about variant significance. This variant has been observed in individual(s) with breast cancer, colorectal cancer or Non-Hodgkin Lymphoma, without strong evidence for causality (Kraus 2016, Havranek 2015, Pearlman 2016, Scarpitta_2019, Matis_2021), and was also found in healthy controls (Le Calvez-Kelm 2011). A review of the literature found that this variant was observed in more controls than cases of breast cancer (Stolarova_2023). These report(s) do not provide unequivocal conclusions about association of the variant with Hereditary Breast And Ovarian Cancer Syndrome. Multiple publications have reported this variant to have little to no impact on CHEK2 function (example, Delimitsou_2019, Stolarova_2023, Boonen_2022). The following publications have been ascertained in the context of this evaluation (PMID: 30851065, 26506619, 31422574, 27616075, 21244692, 27978560, 26787654, 35643632, 39565531, 37449874, 35402282, 31512090, 31398194, 34433815, 25155515, 38734904, 32321774, 39642869, 28102005, 34250417, 34326862, 34903604). ClinVar contains an entry for this variant (Variation ID: 126909). Based on the evidence outlined above, the variant was classified as uncertain significance.

Quest Diagnostics Nichols Institute San Juan Capistrano
Classification: Uncertain significance. Last evaluated: 2025-10-01. Review status: criteria provided, single submitter. Criteria: Quest Diagnostics criteria. Collection method: clinical testing. Allele origin: unknown.
Comment: The CHEK2 c.1336A>G (p.Asn446Asp) variant has been reported in the published literature in an individual with colorectal cancer (PMID: 27978560 (2016)), an individual with non-Hodgkin Lymphoma (PMID: 26506619 (2015)), and multiple individuals with breast cancer (PMID: 27616075 (2016), 21244692 (2011)) as well as reportedly unaffected individuals (PMID: 37449874 (2023), 34903604 (2021), 33471991 (2021), see also LOVD, 26787654 (2016)). Assessment of experimental evidence suggests that this variant does not result in abnormal protein function or localization (PMID: 37449874 (2023), 34903604 (2021), 30851065 (2019)). The frequency of this variant in the general population (Genome Aggregation Database) is uninformative in the assessment of its pathogenicity. Analysis of this variant using bioinformatics tools for the prediction of the effect of amino acid changes on protein structure and function yielded predictions that this variant is benign. Based on the available information, we are unable to determine the clinical significance of this variant.

St. Jude Molecular Pathology, St. Jude Children's Research Hospital
Classification: Uncertain significance for Predisposition to cancer. Last evaluated: 2025-06-17. Review status: criteria provided, single submitter. Criteria: St. Jude Assertion Criteria 2020. Collection method: clinical testing. Allele origin: germline.
Comment: The CHEK2 c.1336A>G p.(Asn446Asp) missense change has a maximum subpopulation frequency of 0.03% in gnomAD v2.1.1. The in silico tool REVEL predicts a benign effect on protein function, and a functional study supports that this variant does not impact CHEK2 protein function (PMID: 30851065). To our knowledge, this variant has not been reported as pathogenic in individuals with CHEK2-related tumors. In summary, the evidence currently available is insufficient to determine the clinical significance of this variant. It has therefore been classified as of uncertain significance.

Center for Genomic Medicine, Rigshospitalet, Copenhagen University Hospital
Classification: Uncertain significance. Last evaluated: 2025-03-04. Review status: criteria provided, single submitter. Criteria: ACMG Guidelines, 2015. Collection method: clinical testing. Allele origin: germline.

Myriad Genetics, Inc.
Classification: Likely benign for Familial cancer of breast. Last evaluated: 2024-10-08. Review status: criteria provided, single submitter. Criteria: Myriad Autosomal Dominant, Autosomal Recessive and X-Linked Classification Criteria (2023). Collection method: clinical testing. Allele origin: unknown.
Comment: This variant is considered likely benign. This variant is strongly associated with less severe personal and family histories of cancer, typical for individuals without pathogenic variants in this gene [PMID: 25085752].

Molecular Pathology, Peter Maccallum Cancer Centre
Classification: Uncertain significance for Familial cancer of breast. Last evaluated: 2024-10-02. Review status: criteria provided, single submitter. Criteria: ACMG Guidelines, 2015. Collection method: clinical testing. Allele origin: germline. Inheritance: Autosomal dominant inheritance.

Color Diagnostics, LLC DBA Color Health
Classification: Likely benign for Hereditary cancer-predisposing syndrome. Last evaluated: 2023-11-22. Review status: criteria provided, single submitter. Criteria: ACMG Guidelines, 2015. Collection method: clinical testing. Allele origin: germline.

NM_007194.4(CHEK2):c.1336A>G (p.Asn446Asp)

Gene: CHEK2 (checkpoint kinase 2; minus strand). Cytogenetic location: 22q12.1.
Variant type: single nucleotide variant.
Coding change: c.1336A>G on transcript NM_007194.4 (MANE Select); coding-DNA position 1336, A replaced by G.
Protein change: p.Asn446Asp; replaces asparagine 446 with aspartic acid.
Molecular consequence: missense variant.
Genome position (GRCh38, 1-based): chr22:28,695,166, T>C on the plus strand (A>G on the coding strand, the complement: CHEK2 is on the minus strand). VCF-style: chr22-28695166-T-C. GRCh37 (hg19) VCF-style: chr22-29091154-T-C.
Other names: chr22:29,091,154T>C; p.N446D:AAC>GAC; c.673A>G, p.Asn225Asp (NM_001257387.3); c.1135A>G, p.Asn379Asp (NM_001349956.3); c.1249A>G, p.Asn417Asp (NM_145862.3); c.1465A>G, p.Asn489Asp (NM_001005735.3); short protein forms N446D, N225D, N489D, N379D, N417D.
Identifiers: ClinVar variation 126909 (VCV000126909.79), dbSNP rs121908705, ClinGen allele CA230682.
Genomic context (GRCh38, chr22:28,695,166, plus strand): 5'-TTAACCCTTTCATATTCATACCTTTCTCTGAGACTTCTGCCCAGACTTCAGGAATGAAGT[T>C]GTATTTTCCACTGGTGATCTGATCCTTCAGTGACACTTGAGTCCTATGCTCAGAGAAAGG-3'
Protein context (NP_009125.1, residues 436-456): LKDQITSGKY[Asn446Asp]FIPEVWAEVS